The following is an entry in ClinVar:

ClinVar aggregate classification (germline): Uncertain significance (1 of 4 stars; one submission).

Conditions:
Ullrich congenital muscular dystrophy 2 (UCMD2). Identifiers: Orphanet 75840, MedGen C4225314, MONDO:0014654, OMIM 616470.
Bethlem myopathy 2 (BTHLM2). Identifiers: Orphanet 536516, Orphanet 610, MedGen C4225313, MONDO:0034022, OMIM 616471.

Allele frequency attached by ClinVar (database versions not stated): gnomAD exomes below 0.00001; TOPMed below 0.00001; ExAC 0.00001; gnomAD 0.00001; ESP Exome Variant Server 0.00008.
gnomAD v4.1: 2 of 1,611,932 alleles (0.00012%); highest among the groups gnomAD compares: Non-Finnish European, 0.00017%; no homozygotes.

Submission:

Labcorp Genetics (formerly Invitae), Labcorp
Classification: Uncertain significance for Bethlem myopathy 2; Ullrich congenital muscular dystrophy 2. Last evaluated: 2019-05-21. Review status: criteria provided, single submitter. Criteria: Invitae Variant Classification Sherloc (09022015). Collection method: clinical testing. Allele origin: germline.
Comment: This variant is present in population databases (rs377225744, ExAC 0.01%). This sequence change falls in intron 8 of the COL12A1 gene. It does not directly change the encoded amino acid sequence of the COL12A1 protein, but it affects a nucleotide within the consensus splice site of the intron. This variant has not been reported in the literature in individuals with COL12A1-related conditions. In summary, the available evidence is currently insufficient to determine the role of this variant in disease. Therefore, it has been classified as a Variant of Uncertain Significance. Nucleotide substitutions within the consensus splice site are a relatively common cause of aberrant splicing (PMID: 17576681, 9536098). Algorithms developed to predict the effect of sequence changes on RNA splicing suggest that this variant is not likely to affect RNA splicing, but this prediction has not been confirmed by published transcriptional studies.

Literature cited by the submitters: PubMed 17576681; PubMed 9536098.

NM_004370.6(COL12A1):c.997+6T>C

Gene: COL12A1 (collagen type XII alpha 1 chain; minus strand). Cytogenetic location: 6q13.
Variant type: single nucleotide variant.
Coding change: c.997+6T>C on transcript NM_004370.6 (MANE Select); 6 bases into the intron after coding-DNA position 997, T replaced by C.
Molecular consequence: intron variant.
Genome position (GRCh38, 1-based): chr6:75,188,356, A>G on the plus strand (T>C on the coding strand, the complement: COL12A1 is on the minus strand). VCF-style: chr6-75188356-A-G. GRCh37 (hg19) VCF-style: chr6-75898072-A-G.
Other names: c.73+14364T>C (NM_080645.3).
Identifiers: ClinVar variation 933936 (VCV000933936.10), dbSNP rs377225744, ClinGen allele CA3894302.
Genomic context (GRCh38, chr6:75,188,356, plus strand): 5'-GATAACTATAAATACTCAAACAATGGAAAAGACTAACACATGGGGAATGCTACACAGTCT[A>G]CTCACCTTCTTCTCCACTAACCAATTCACCAAGTTGTTCATCAACACCTGAGCACACCTG-3'